The following is an entry in ClinVar:

ClinVar aggregate classification (germline): Benign (0 of 4 stars; one submission).

Conditions:
GRM8-related disorder. Also called: GRM8-related condition.

Allele frequency attached by ClinVar (database versions not stated): gnomAD exomes 0.00460; ExAC 0.02104; gnomAD 0.04924; 1000 Genomes Project 0.04992; 1000 Genomes Project 30x 0.05418; TOPMed 0.05627; ESP Exome Variant Server 0.05921.
gnomAD v4.1: 14,458 of 1,603,292 alleles (0.9%); highest among the groups gnomAD compares: African/African-American, 17%; 1,182 homozygotes.

Submissions (8):

PreventionGenetics, part of Exact Sciences
Classification: Benign for GRM8-related condition. Last evaluated: 2019-03-25. Review status: no assertion criteria provided. Collection method: clinical testing. Allele origin: germline.
Comment: This variant is classified as benign based on ACMG/AMP sequence variant interpretation guidelines (Richards et al. 2015 PMID: 25741868, with internal and published modifications).

Dr. Peter K. Rogan Lab, Western University
No classification provided (evidence only). Condition: Clear cell carcinoma of kidney. Review status: no classification provided. Collection method: in vitro. Allele origin: not applicable. Functional consequence: retained intron. Not counted in ClinVar's aggregate classification.

Dr. Peter K. Rogan Lab, Western University
No classification provided (evidence only). Condition: Lung cancer. Review status: no classification provided. Collection method: in vitro. Allele origin: not applicable. Functional consequence: retained intron. Not counted in ClinVar's aggregate classification.

Dr. Peter K. Rogan Lab, Western University
No classification provided (evidence only). Condition: Lung cancer. Review status: no classification provided. Collection method: in vitro. Allele origin: not applicable. Functional consequence: retained intron. Not counted in ClinVar's aggregate classification.

Dr. Peter K. Rogan Lab, Western University
No classification provided (evidence only). Condition: Colon adenocarcinoma. Review status: no classification provided. Collection method: in vitro. Allele origin: not applicable. Functional consequence: retained intron. Not counted in ClinVar's aggregate classification.

Dr. Peter K. Rogan Lab, Western University
No classification provided (evidence only). Condition: Cervical cancer. Review status: no classification provided. Collection method: in vitro. Allele origin: not applicable. Functional consequence: retained intron. Not counted in ClinVar's aggregate classification.

Dr. Peter K. Rogan Lab, Western University
No classification provided (evidence only). Condition: Sarcoma. Review status: no classification provided. Collection method: in vitro. Allele origin: not applicable. Functional consequence: retained intron. Not counted in ClinVar's aggregate classification.

Dr. Peter K. Rogan Lab, Western University
No classification provided (evidence only). Condition: Nonpapillary renal cell carcinoma. Review status: no classification provided. Collection method: in vitro. Allele origin: not applicable. Functional consequence: retained intron. Not counted in ClinVar's aggregate classification.

NM_000845.3(GRM8):c.1157-3C>A

Gene: GRM8 (glutamate metabotropic receptor 8; minus strand). Cytogenetic location: 7q31.33.
Variant type: single nucleotide variant.
Coding change: c.1157-3C>A on transcript NM_000845.3 (MANE Select); 3 bases into the intron before coding-DNA position 1157, C replaced by A.
Molecular consequence: intron variant.
Genome position (GRCh38, 1-based): chr7:126,770,068, G>T on the plus strand (C>A on the coding strand, the complement: GRM8 is on the minus strand). VCF-style: chr7-126770068-G-T. GRCh37 (hg19) VCF-style: chr7-126410122-G-T.
Other names: NC_000007.13:g.126410122G>T; c.542-3C>A (NM_001371087.1); c.1157-3C>A (NM_001371085.1, NM_001371083.1, NM_001127323.1 and 3 more transcripts).
Identifiers: ClinVar variation 3038215 (VCV003038215.3), dbSNP rs61755398, ClinGen allele CA4465942.